The following is an entry in ClinVar:

ClinVar aggregate classification (germline): Pathogenic. Review status: criteria provided, single submitter (1 of 4 stars). 2 submissions from 2 submitters: Pathogenic (1). 1 of the submissions does not count toward it. Last evaluated 2023-07-03.

Conditions:
Retinal dystrophy. Also called: Inherited retinal dystrophy. Identifiers: Orphanet 71862, MedGen C0854723, MeSH D058499, MONDO:0019118, HP:0000556.

Allele frequency attached by ClinVar (database versions not stated): gnomAD exomes below 0.00001.

Submissions (2):

Labcorp Genetics (formerly Invitae), Labcorp
Classification: Pathogenic. Last evaluated: 2023-07-03. Review status: criteria provided, single submitter. Criteria: Invitae Variant Classification Sherloc (09022015). Collection method: clinical testing. Allele origin: germline.
Comment: This sequence change creates a premature translational stop signal (p.Glu264Aspfs*71) in the USH2A gene. It is expected to result in an absent or disrupted protein product. Loss-of-function variants in USH2A are known to be pathogenic (PMID: 10729113, 10909849, 20507924, 25649381). This variant is not present in population databases (gnomAD no frequency). This variant has not been reported in the literature in individuals affected with USH2A-related conditions. For these reasons, this variant has been classified as Pathogenic.

Institute of Human Genetics, Univ. Regensburg, Univ. Regensburg
Classification: Pathogenic for Retinal dystrophy. Last evaluated: 2023-01-01. Review status: no assertion criteria provided. Criteria: ACMG Guidelines, 2015. Collection method: clinical testing. Allele origin: germline. Affected: yes. Not counted in ClinVar's aggregate classification.

Literature cited by the submitters: PubMed 10729113 (cited by Labcorp Genetics (formerly Invitae), Labcorp); PubMed 10909849 (cited by Labcorp Genetics (formerly Invitae), Labcorp); PubMed 20507924 (cited by Labcorp Genetics (formerly Invitae), Labcorp); PubMed 25649381 (cited by Labcorp Genetics (formerly Invitae), Labcorp).

NM_206933.4(USH2A):c.792_795del (p.Glu264fs)

Gene: USH2A (usherin; minus strand). Cytogenetic location: 1q41.
Variant type: Deletion.
Coding change: c.792_795del on transcript NM_206933.4 (MANE Select); coding-DNA positions 792 to 795, 4 bases deleted (GCAG; older notation c.792_795delGCAG).
Protein change: p.Glu264fs; shifts the reading frame from glutamic acid 264.
Molecular consequence: frameshift variant.
Genome position (GRCh38, 1-based): chr1:216,327,644-216,327,647, CTGC deleted on the plus strand (GCAG on the coding strand, the reverse complement: USH2A is on the minus strand). VCF-style (leftmost placement, unchanged base first): chr1-216327643-ACTGC-A. GRCh37 (hg19) VCF-style: chr1-216500985-ACTGC-A.
Other names: c.792_795del, p.Glu264fs (NM_007123.6); short protein forms E264fs.
Identifiers: ClinVar variation 2872206 (VCV002872206.4), dbSNP rs2527445574, ClinGen allele CA2650513107.